The following is an entry in ClinVar:

NM_000214.3(JAG1):c.1570-3C>A

Gene: JAG1 (jagged canonical Notch ligand 1; minus strand). Cytogenetic location: 20p12.2.
Variant type: single nucleotide variant.
Coding change: c.1570-3C>A on transcript NM_000214.3 (MANE Select); 3 bases into the intron before coding-DNA position 1570, C replaced by A.
Molecular consequence: intron variant.
Genome position (GRCh38, 1-based): chr20:10,648,113, G>T on the plus strand (C>A on the coding strand, the complement: JAG1 is on the minus strand). VCF-style: chr20-10648113-G-T. GRCh37 (hg19) VCF-style: chr20-10628761-G-T.
Identifiers: ClinVar variation 2163926 (VCV002163926.4), dbSNP rs1298304802, ClinGen allele CA2580097901.

ClinVar aggregate classification (germline): Uncertain significance (1 of 4 stars; one submission).

Conditions:
Alagille syndrome due to a JAG1 point mutation. Also called: JAG1-Related Alagille Syndrome; Alagille Syndrome 1; HEPATIC DUCTULAR HYPOPLASIA, SYNDROMATIC. Identifiers: Orphanet 261619, Orphanet 52, MedGen C1956125, MONDO:0016862, OMIM 118450.

Submission:

Labcorp Genetics (formerly Invitae), Labcorp
Classification: Uncertain significance for Alagille syndrome due to a JAG1 point mutation. Last evaluated: 2023-07-21. Review status: criteria provided, single submitter. Criteria: Invitae Variant Classification Sherloc (09022015). Collection method: clinical testing. Allele origin: germline.
Comment: In summary, the available evidence is currently insufficient to determine the role of this variant in disease. Therefore, it has been classified as a Variant of Uncertain Significance. Variants that disrupt the consensus splice site are a relatively common cause of aberrant splicing (PMID: 17576681, 9536098). Algorithms developed to predict the effect of sequence changes on RNA splicing suggest that this variant may create or strengthen a splice site. ClinVar contains an entry for this variant (Variation ID: 2163926). This variant has not been reported in the literature in individuals affected with JAG1-related conditions. This variant is not present in population databases (gnomAD no frequency). This sequence change falls in intron 12 of the JAG1 gene. It does not directly change the encoded amino acid sequence of the JAG1 protein. It affects a nucleotide within the consensus splice site.

Literature cited by the submitters: PubMed 17576681; PubMed 9536098.